The following is an entry in ClinVar:

ClinVar aggregate classification (germline): Conflicting classifications of pathogenicity. Review status: criteria provided, conflicting classifications (1 of 4 stars). 18 submissions from 14 submitters: Uncertain significance (3); Benign (4); Likely benign (9). 2 of the submissions do not count toward it. Last evaluated 2026-02-02.

Conditions:
Cardiovascular phenotype. Identifiers: MedGen CN230736.
Dilated cardiomyopathy 1G (CMD1G). Identifiers: Orphanet 154, MedGen C1858763, MONDO:0011400, OMIM 604145.
Autosomal recessive limb-girdle muscular dystrophy type 2J (LGMDR10). Also called: Limb-girdle muscular dystrophy, type 2J; MUSCULAR DYSTROPHY, LIMB-GIRDLE, AUTOSOMAL RECESSIVE 10. Identifiers: Orphanet 140922, MedGen C1837342, MONDO:0012127, OMIM 608807.
Cardiomyopathy (CMYO). Also called: Cardiomyopathies. Identifiers: Orphanet 167848, MedGen C0878544, MONDO:0004994, HP:0001638. Inheritance: Various modes of inheritance.
Early-onset myopathy with fatal cardiomyopathy (CMYO5). Also called: CONGENITAL MYOPATHY 5 WITH CARDIOMYOPATHY; Salih Myopathy. Identifiers: Orphanet 289377, MedGen C2673677, MONDO:0012714, OMIM 611705. Disease mechanism: loss of function.
Myopathy, myofibrillar, 9, with early respiratory failure (MFM9). Also called: Hereditary myopathy with early respiratory failure; MYOPATHY, PROXIMAL, WITH EARLY RESPIRATORY MUSCLE INVOLVEMENT; EDSTROM MYOPATHY; Myopathy, distal, with early respiratory failure, autosomal dominant. Identifiers: Orphanet 178464, Orphanet 34521, MedGen C1863599, MONDO:0011362, OMIM 603689.
Tibial muscular dystrophy (TMD). Also called: UDD MYOPATHY; Tibial muscular dystrophy, tardive; Udd Distal Myopathy – Tibial Muscular Dystrophy. Identifiers: Orphanet 609, MedGen C1838244, MONDO:0010870, OMIM 600334.

Allele frequency attached by ClinVar (database versions not stated): gnomAD 0.00027 and 0.00028; TOPMed 0.00029; ExAC 0.00033; ESP Exome Variant Server 0.00049.
gnomAD v4.1: 793 of 1,613,078 alleles (0.049%); highest among the groups gnomAD compares: Non-Finnish European, 0.063%; no homozygotes.

Submissions (18):

Labcorp Genetics (formerly Invitae), Labcorp
Classification: Likely benign for Dilated cardiomyopathy 1G; Autosomal recessive limb-girdle muscular dystrophy type 2J. Last evaluated: 2026-02-02. Review status: criteria provided, single submitter. Criteria: Invitae Variant Classification Sherloc (09022015). Collection method: clinical testing. Allele origin: germline.

CeGaT Center for Human Genetics Tuebingen
Classification: Likely benign. Last evaluated: 2026-02-01. Review status: criteria provided, single submitter. Criteria: CeGaT Center For Human Genetics Tuebingen Variant Classification Criteria Version 2. Collection method: clinical testing. Allele origin: germline. Affected: yes. Observed: 4 variant alleles.
Comment: TTN: BP4, BP7

Mayo Clinic Laboratories, Mayo Clinic
Classification: Likely benign. Last evaluated: 2025-05-29. Review status: criteria provided, single submitter. Criteria: ACMG Guidelines, 2015. Collection method: clinical testing. Allele origin: germline. Observed: 2 variant alleles.
Comment: BS1, BP4, BP7

Blueprint Genetics
Classification: Likely benign. Last evaluated: 2024-11-12. Review status: criteria provided, single submitter. Criteria: ACMG Guidelines, 2015. Collection method: clinical testing. Allele origin: germline.

Women's Health and Genetics/Laboratory Corporation of America, LabCorp
Classification: Likely benign. Last evaluated: 2024-03-11. Review status: criteria provided, single submitter. Criteria: LabCorp Variant Classification Summary - May 2015. Collection method: clinical testing. Allele origin: germline.

CHEO Genetics Diagnostic Laboratory, Children's Hospital of Eastern Ontario
Classification: Likely benign for Cardiomyopathy. Last evaluated: 2021-09-01. Review status: criteria provided, single submitter. Criteria: ACMG Guidelines, 2015. Collection method: clinical testing. Allele origin: germline.

Athena Diagnostics
Classification: Benign. Last evaluated: 2019-11-08. Review status: criteria provided, single submitter. Criteria: Athena Diagnostics Criteria. Collection method: clinical testing. Allele origin: unknown.

Ambry Genetics
Classification: Likely benign for Cardiovascular phenotype. Last evaluated: 2019-07-26. Review status: criteria provided, single submitter. Criteria: Ambry Variant Classification Scheme 2023. Collection method: clinical testing. Allele origin: germline.

Illumina Laboratory Services, Illumina
Classification: Uncertain significance for Dilated cardiomyopathy 1G. Last evaluated: 2018-01-13. Review status: criteria provided, single submitter. Criteria: ICSL Variant Classification Criteria 13 December 2019. Collection method: clinical testing. Allele origin: germline.

Illumina Laboratory Services, Illumina
Classification: Benign for Tibial muscular dystrophy. Last evaluated: 2018-01-13. Review status: criteria provided, single submitter. Criteria: ICSL Variant Classification Criteria 13 December 2019. Collection method: clinical testing. Allele origin: germline.
Comment: This variant was observed in the ICSL laboratory as part of a predisposition screen in an ostensibly healthy population. It had not been previously curated by ICSL or reported in the Human Gene Mutation Database (HGMD: prior to June 1st, 2018), and was therefore a candidate for classification through an automated scoring system. Utilizing variant allele frequency, disease prevalence and penetrance estimates, and inheritance mode, an automated score was calculated to assess if this variant is too frequent to cause the disease. Based on the score and internal cut-off values, a variant classified as benign is not then subjected to further curation. The score for this variant resulted in a classification of benign for this disease.

Illumina Laboratory Services, Illumina
Classification: Benign for Myopathy, myofibrillar, 9, with early respiratory failure. Last evaluated: 2018-01-13. Review status: criteria provided, single submitter. Criteria: ICSL Variant Classification Criteria 13 December 2019. Collection method: clinical testing. Allele origin: germline.
Comment: the same text as in the submission from Illumina Laboratory Services, Illumina above.

Illumina Laboratory Services, Illumina
Classification: Uncertain significance for Autosomal recessive limb-girdle muscular dystrophy type 2J. Last evaluated: 2018-01-13. Review status: criteria provided, single submitter. Criteria: ICSL Variant Classification Criteria 13 December 2019. Collection method: clinical testing. Allele origin: germline.

Illumina Laboratory Services, Illumina
Classification: Uncertain significance for Early-onset myopathy with fatal cardiomyopathy. Last evaluated: 2018-01-13. Review status: criteria provided, single submitter. Criteria: ICSL Variant Classification Criteria 13 December 2019. Collection method: clinical testing. Allele origin: germline.

Eurofins Ntd Llc (ga)
Classification: Likely benign. Last evaluated: 2015-03-04. Review status: criteria provided, single submitter. Criteria: EGL Classification Definitions 2015. Collection method: clinical testing. Allele origin: germline. Observed: 1 variant allele, 1 heterozygote.

GeneDx
Classification: Benign. Last evaluated: 2014-11-11. Review status: criteria provided, single submitter. Criteria: GeneDx Variant Classification (06012015). Collection method: clinical testing. Allele origin: germline. Affected: yes.
Comment: This variant is considered likely benign or benign based on one or more of the following criteria: it is a conservative change, it occurs at a poorly conserved position in the protein, it is predicted to be benign by multiple in silico algorithms, and/or has population frequency not consistent with disease.

Laboratory for Molecular Medicine, Mass General Brigham Personalized Medicine
Classification: Likely benign. Last evaluated: 2012-03-19. Review status: criteria provided, single submitter. Criteria: LMM Criteria. Collection method: clinical testing. Allele origin: germline. Observed: 1 variant allele.
Comment: Val22686Val in exon 275 of TTN: This variant is not expected to have clinical si gnificance because it does not alter an amino acid residue and is not located wi thin the splice consensus sequence. It has been identified in 0.1% (5/6678) of E uropean American chromosomes from a broad population by the NHLBI Exome Sequenci ng Project. Val22686Val in exon 275 of TTN ( allele frequency = 0.1%, 5/6678) **

Clinical Genetics, Academic Medical Center
Classification: Benign. Review status: no assertion criteria provided. Collection method: clinical testing. Allele origin: germline. Affected: yes. Study: VKGL Data-share Consensus. Not counted in ClinVar's aggregate classification.

Genome Diagnostics Laboratory, University Medical Center Utrecht
Classification: Likely benign. Review status: no assertion criteria provided. Collection method: clinical testing. Allele origin: germline. Affected: yes. Study: VKGL Data-share Consensus. Not counted in ClinVar's aggregate classification.

NM_001267550.2(TTN):c.75762G>T (p.Val25254=)

Genes: TTN (titin; minus strand), TTN-AS1 (TTN antisense RNA 1; plus strand). Cytogenetic location: 2q31.2.
Variant type: single nucleotide variant.
Coding change: c.75762G>T on transcript NM_001267550.2 (MANE Select); coding-DNA position 75762, G replaced by T.
Protein change: p.Val25254=; no amino-acid change (valine 25254 retained).
Molecular consequence: synonymous variant.
Genome position (GRCh38, 1-based): chr2:178,570,370, C>A on the plus strand (G>T on the coding strand, the complement: TTN is on the minus strand). VCF-style: chr2-178570370-C-A. GRCh37 (hg19) VCF-style: chr2-179435097-C-A.
Other names: p.V23613V:GTG>GTT; p.Val23613=; c.70839G>T, p.Val23613= (NM_001256850.1); c.68058G>T, p.Val22686= (NM_133378.4); c.48567G>T, p.Val16189= (NM_003319.4); c.48942G>T, p.Val16314= (NM_133432.3); c.49143G>T, p.Val16381= (NM_133437.4).
Identifiers: ClinVar variation 178188 (VCV000178188.73), dbSNP rs374003257, ClinGen allele CA295743.
Genomic context (GRCh38, chr2:178,570,370, plus strand): 5'-TTCATTGCCTTCAAGAAGCTTAGTAACCTTGCAGCTGAGAGTCTGCACATTGGCATCAAC[C>A]ACAGTCCAAACTAAGCGGCTGGTTTCTCTCCTTTCCACAATATAATTTATGATGTCACTC-3'
Protein context (NP_001254479.2, residues 25244-25264): RRETSRLVWT[Val25254=]VDANVQTLSC